The following is an entry in ClinVar:

NM_000374.5(UROD):c.730G>A (p.Val244Met)

Gene: UROD (uroporphyrinogen decarboxylase; plus strand). Cytogenetic location: 1p34.1.
Variant type: single nucleotide variant.
Coding change: c.730G>A on transcript NM_000374.5 (MANE Select); coding-DNA position 730, G replaced by A.
Protein change: p.Val244Met; replaces valine 244 with methionine.
Molecular consequence: missense variant. On other transcripts: non-coding transcript variant (3).
Genome position (GRCh38, 1-based): chr1:45,014,532, G>A. VCF-style: chr1-45014532-G-A. GRCh37 (hg19) VCF-style: chr1-45480204-G-A.
Other names: short protein forms V244M.
Identifiers: ClinVar variation 4742228 (VCV004742228.1).
Genomic context (GRCh38, chr1:45,014,532, plus strand): 5'-CTTGGCCCACAGCTCTTCAACAAGTTTGCACTGCCTTACATCCGTGATGTGGCCAAGCAA[G>A]TGAAGGCCAGGTTGCGGGAGGCAGGCCTGGCACCAGTGCCCATGGTGAGGATTGGGATGG-3'
Protein context (NP_000365.3, residues 234-254): LPYIRDVAKQ[Val244Met]KARLREAGLA

ClinVar aggregate classification (germline): Uncertain significance (1 of 4 stars; one submission).

Submission:

Labcorp Genetics (formerly Invitae), Labcorp
Classification: Uncertain significance. Last evaluated: 2026-02-01. Review status: criteria provided, single submitter. Criteria: Invitae Variant Classification Sherloc (09022015). Collection method: clinical testing. Allele origin: germline.
Comment: This sequence change replaces valine, which is neutral and non-polar, with methionine, which is neutral and non-polar, at codon 244 of the UROD protein (p.Val244Met). This variant is present in population databases (no rsID available, gnomAD 0.003%). This variant has not been reported in the literature in individuals affected with UROD-related conditions. Invitae Evidence Modeling of protein sequence and biophysical properties (such as structural, functional, and spatial information, amino acid conservation, physicochemical variation, residue mobility, and thermodynamic stability) has been performed for this missense variant. However, the output from this modeling did not meet the statistical confidence thresholds required to predict the impact of this variant on UROD protein function. In summary, the available evidence is currently insufficient to determine the role of this variant in disease. Therefore, it has been classified as a Variant of Uncertain Significance.